The following is an entry in ClinVar:

NM_001943.5(DSG2):c.301A>G (p.Ile101Val)

Gene: DSG2 (desmoglein 2; plus strand). Cytogenetic location: 18q12.1.
Variant type: single nucleotide variant.
Coding change: c.301A>G on transcript NM_001943.5 (MANE Select); coding-DNA position 301, A replaced by G.
Protein change: p.Ile101Val; replaces isoleucine 101 with valine.
Molecular consequence: missense variant.
Genome position (GRCh38, 1-based): chr18:31,520,887, A>G. VCF-style: chr18-31520887-A-G. GRCh37 (hg19) VCF-style: chr18-29100850-A-G.
Other names: short protein forms I101V.
Identifiers: ClinVar variation 2428328 (VCV002428328.6), dbSNP rs2073123806, ClinGen allele CA402131519.

ClinVar aggregate classification (germline): Uncertain significance (1 of 4 stars; one submission).

Conditions:
Arrhythmogenic right ventricular dysplasia 10. Also called: Arrhythmogenic Right Ventricular Dysplasia/Cardiomyopathy10; Arrhythmogenic right ventricular dysplasia/cardiomyopathy, type 10; ARRHYTHMOGENIC RIGHT VENTRICULAR DYSPLASIA, FAMILIAL, 10. Identifiers: MedGen C1857777, MONDO:0012434, OMIM 610193.

Allele frequency attached by ClinVar (database versions not stated): TOPMed below 0.00001; gnomAD 0.00001.
gnomAD v4.1: 1 of 1,613,786 alleles (0.000062%); highest among the groups gnomAD compares: Non-Finnish European, 0.000085%; no homozygotes.

Submission:

Labcorp Genetics (formerly Invitae), Labcorp
Classification: Uncertain significance for Arrhythmogenic right ventricular dysplasia 10. Last evaluated: 2022-09-01. Review status: criteria provided, single submitter. Criteria: Invitae Variant Classification Sherloc (09022015). Collection method: clinical testing. Allele origin: germline.
Comment: This variant has not been reported in the literature in individuals affected with DSG2-related conditions. Algorithms developed to predict the effect of missense changes on protein structure and function output the following: SIFT: "Tolerated"; PolyPhen-2: "Benign"; Align-GVGD: "Class C0". The valine amino acid residue is found in multiple mammalian species, which suggests that this missense change does not adversely affect protein function. In summary, the available evidence is currently insufficient to determine the role of this variant in disease. Therefore, it has been classified as a Variant of Uncertain Significance. This sequence change replaces isoleucine, which is neutral and non-polar, with valine, which is neutral and non-polar, at codon 101 of the DSG2 protein (p.Ile101Val). This variant is not present in population databases (gnomAD no frequency).